The following is an entry in ClinVar:

ClinVar aggregate classification (germline): Likely benign. Review status: criteria provided, multiple submitters, no conflicts (2 of 4 stars). 2 submissions from 2 submitters: Likely benign (2). Last evaluated 2026-04-01.

Allele frequency attached by ClinVar (database versions not stated): gnomAD exomes 0.00001 and 0.00002; ExAC 0.00002.
gnomAD v4.1: 5 of 1,613,906 alleles (0.00031%); highest among the groups gnomAD compares: Admixed American, 0.0083%; no homozygotes.

Submissions (2):

CeGaT Center for Human Genetics Tuebingen
Classification: Likely benign. Last evaluated: 2026-04-01. Review status: criteria provided, single submitter. Criteria: CeGaT Center For Human Genetics Tuebingen Variant Classification Criteria Version 2. Collection method: clinical testing. Allele origin: germline. Affected: yes. Observed: 1 variant allele.
Comment: EIF2B2: BP4, BP7

Labcorp Genetics (formerly Invitae), Labcorp
Classification: Likely benign. Last evaluated: 2023-10-13. Review status: criteria provided, single submitter. Criteria: Invitae Variant Classification Sherloc (09022015). Collection method: clinical testing. Allele origin: germline.

NM_014239.4(EIF2B2):c.222C>T (p.Ser74=)

Gene: EIF2B2 (eukaryotic translation initiation factor 2B subunit beta; plus strand). Cytogenetic location: 14q24.3.
Variant type: single nucleotide variant.
Coding change: c.222C>T on transcript NM_014239.4 (MANE Select); coding-DNA position 222, C replaced by T.
Protein change: p.Ser74=; no amino-acid change (serine 74 retained).
Molecular consequence: synonymous variant.
Genome position (GRCh38, 1-based): chr14:75,003,333, C>T. VCF-style: chr14-75003333-C-T. GRCh37 (hg19) VCF-style: chr14-75470036-C-T.
Identifiers: ClinVar variation 747005 (VCV000747005.9), dbSNP rs780409528, ClinGen allele CA7274831.
Genomic context (GRCh38, chr14:75,003,333, plus strand): 5'-AGGGGAGCTGATGGAGCTGATCCGCAGAGAGGGCAGGAGGATGACGGCCGCTCAGCCCTC[C>T]GAGACCACCGTGGGCAACATGGTGCGGAGAGTGCTCAAGATTATCCGGGAGGAGTATGGC-3'
Protein context (NP_055054.1, residues 64-84): EGRRMTAAQP[Ser74=]ETTVGNMVRR